The following is an entry in ClinVar:

NM_017946.4(FKBP14):c.218A>T (p.Gln73Leu)

Genes: FKBP14-AS1 (FKBP14 antisense RNA 1; plus strand), FKBP14 (FKBP prolyl isomerase 14; minus strand). Cytogenetic location: 7p14.3.
Variant type: single nucleotide variant.
Coding change: c.218A>T on transcript NM_017946.4 (MANE Select); coding-DNA position 218, A replaced by T.
Protein change: p.Gln73Leu; replaces glutamine 73 with leucine.
Molecular consequence: missense variant. On other transcripts: non-coding transcript variant (1).
Genome position (GRCh38, 1-based): chr7:30,022,796, T>A on the plus strand (A>T on the coding strand, the complement: FKBP14 is on the minus strand). VCF-style: chr7-30022796-T-A. GRCh37 (hg19) VCF-style: chr7-30062412-T-A.
Other names: short protein forms Q73L.
Identifiers: ClinVar variation 1396012 (VCV001396012.8), dbSNP rs780382667, ClinGen allele CA4203456.

ClinVar aggregate classification (germline): Uncertain significance (1 of 4 stars; one submission).

Conditions:
Ehlers-Danlos syndrome, kyphoscoliotic type, 2. Also called: FKBP14-Kyphoscoliotic Ehlers-Danlos Syndrome; Ehlers-Danlos syndrome with progressive kyphoscoliosis, myopathy, and hearing loss; Ehlers-Danlos syndrome, kyphoscoliotic and deafness type. Identifiers: Orphanet 300179, MedGen C3281160, MONDO:0013800, OMIM 614557.

Allele frequency attached by ClinVar (database versions not stated): gnomAD exomes 0.00001; ExAC 0.00002.
gnomAD v4.1: 12 of 1,613,808 alleles (0.00074%); highest among the groups gnomAD compares: Non-Finnish European, 0.001%; no homozygotes.

Submission:

Labcorp Genetics (formerly Invitae), Labcorp
Classification: Uncertain significance for Ehlers-Danlos syndrome, kyphoscoliotic type, 2. Last evaluated: 2021-03-23. Review status: criteria provided, single submitter. Criteria: Invitae Variant Classification Sherloc (09022015). Collection method: clinical testing. Allele origin: germline.
Comment: This sequence change replaces glutamine with leucine at codon 73 of the FKBP14 protein (p.Gln73Leu). The glutamine residue is moderately conserved and there is a moderate physicochemical difference between glutamine and leucine. The frequency data for this variant in the population databases is considered unreliable, as metrics indicate poor data quality at this position in the ExAC database. This variant has not been reported in the literature in individuals with FKBP14-related conditions. Algorithms developed to predict the effect of missense changes on protein structure and function (SIFT, PolyPhen-2, Align-GVGD) all suggest that this variant is likely to be tolerated, but these predictions have not been confirmed by published functional studies and their clinical significance is uncertain. In summary, the available evidence is currently insufficient to determine the role of this variant in disease. Therefore, it has been classified as a Variant of Uncertain Significance.